The following is an entry in ClinVar:

ClinVar aggregate classification (germline): Uncertain significance (1 of 4 stars; one submission).

Submission:

GeneDx
Classification: Uncertain significance. Last evaluated: 2023-07-19. Review status: criteria provided, single submitter. Criteria: GeneDx Variant Classification Process June 2021. Collection method: clinical testing. Allele origin: germline. Affected: yes.
Comment: In silico analysis supports that this missense variant has a deleterious effect on protein structure/function; Has not been previously published as pathogenic or benign to our knowledge

NM_199355.4(ADAMTS18):c.3539C>T (p.Pro1180Leu)

Genes: ADAMTS18 (ADAM metallopeptidase with thrombospondin type 1 motif 18; minus strand), LOC126862407 (CDK7 strongly-dependent group 2 enhancer GRCh37_chr16:77322970-77324169; plus strand). Cytogenetic location: 16q23.1.
Variant type: single nucleotide variant.
Coding change: c.3539C>T on transcript NM_199355.4 (MANE Select); coding-DNA position 3539, C replaced by T.
Protein change: p.Pro1180Leu; replaces proline 1180 with leucine.
Molecular consequence: missense variant.
Genome position (GRCh38, 1-based): chr16:77,289,275, G>A on the plus strand (C>T on the coding strand, the complement: ADAMTS18 is on the minus strand). VCF-style: chr16-77289275-G-A. GRCh37 (hg19) VCF-style: chr16-77323172-G-A.
Other names: c.3023C>T, p.Pro1008Leu (NM_001326358.2); short protein forms P1008L, P1180L.
Identifiers: ClinVar variation 3360795 (VCV003360795.1).